The following is an entry in ClinVar:

NM_000764.3(CYP2A7):c.1366G>A (p.Val456Ile)

Gene: CYP2A7 (cytochrome P450 family 2 subfamily A member 7; minus strand). Cytogenetic location: 19q13.2.
Variant type: single nucleotide variant.
Coding change: c.1366G>A on transcript NM_000764.3 (MANE Select); coding-DNA position 1366, G replaced by A.
Protein change: p.Val456Ile; replaces valine 456 with isoleucine.
Molecular consequence: missense variant.
Genome position (GRCh38, 1-based): chr19:40,875,812, C>T on the plus strand (G>A on the coding strand, the complement: CYP2A7 is on the minus strand). VCF-style: chr19-40875812-C-T. GRCh37 (hg19) VCF-style: chr19-41381717-C-T.
Other names: c.1213G>A, p.Val405Ile (NM_030589.3); short protein forms V405I, V456I.
Identifiers: ClinVar variation 2649916 (VCV002649916.24), dbSNP rs142299028, ClinGen allele CA9453410.

ClinVar aggregate classification (germline): Likely benign (1 of 4 stars; one submission).

Allele frequency attached by ClinVar (database versions not stated): 1000 Genomes Project 30x 0.00062; 1000 Genomes Project 0.00080; ESP Exome Variant Server 0.00139; gnomAD exomes 0.00176; ExAC 0.00264; gnomAD 0.00289.

Submission:

CeGaT Center for Human Genetics Tuebingen
Classification: Likely benign. Last evaluated: 2022-12-01. Review status: criteria provided, single submitter. Criteria: CeGaT Center For Human Genetics Tuebingen Variant Classification Criteria Version 2. Collection method: clinical testing. Allele origin: germline. Affected: yes. Observed: 1 variant allele.
Comment: CYP2A7: BP4, BS2